The following is an entry in ClinVar:

ClinVar aggregate classification (germline): Likely pathogenic (1 of 4 stars; one submission).

Conditions:
Type 2 diabetes mellitus. Also called: Type II diabetes mellitus. Identifiers: MedGen C0011860, MeSH D003924, MONDO:0005148, OMIM 125853, HP:0005978.
Maturity-onset diabetes of the young type 1. Also called: MILD JUVENILE DIABETES MELLITUS; MODY, type I; MODY type 1; Diabetes mellitus MODY type 1; MODY HNF4A related; HNF4A-Related Maturity-Onset Diabetes of the Young Type 1. Identifiers: Orphanet 552, MedGen C1852093, MONDO:0007452, OMIM 125850. Disease mechanism: loss of function.
Fanconi renotubular syndrome 4 with maturity-onset diabetes of the young (FRTS4). Also called: FRTS4 WITH MODY. Identifiers: Orphanet 93111, MedGen C4014962, MONDO:0014458, OMIM 616026.

Submission:

Juno Genomics, Hangzhou Juno Genomics, Inc
Classification: Likely pathogenic for Type 2 diabetes mellitus; Fanconi renotubular syndrome 4 with maturity-onset diabetes of the young; Maturity-onset diabetes of the young type 1. Review status: criteria provided, single submitter. Criteria: ACMG Guidelines, 2015. Collection method: clinical testing. Allele origin: germline.
Comment: Absent from controls (or at extremely low frequency if recessive) in Genome Aggregation Database.;Multiple lines of computational evidence support a deleterious effect on the gene or gene product.;Novel missense change at an amino acid residue where a different missense change determined to be pathogenic has been seen before.

NM_175914.5(HNF4A):c.734G>T (p.Arg245Leu)

Gene: HNF4A (hepatocyte nuclear factor 4 alpha; plus strand). Cytogenetic location: 20q13.12.
Variant type: single nucleotide variant.
Coding change: c.734G>T on transcript NM_175914.5 (MANE Select); coding-DNA position 734, G replaced by T.
Protein change: p.Arg245Leu; replaces arginine 245 with leucine.
Molecular consequence: missense variant.
Genome position (GRCh38, 1-based): chr20:44,419,784, G>T. VCF-style: chr20-44419784-G-T. GRCh37 (hg19) VCF-style: chr20-43048424-G-T.
Other names: c.800G>T, p.Arg267Leu (NM_000457.6, NM_178849.3, NM_178850.3); c.734G>T, p.Arg245Leu (NM_001030003.3, NM_001030004.3); c.779G>T, p.Arg260Leu (NM_001258355.2); c.725G>T, p.Arg242Leu (NM_001287182.2, NM_001287183.2, NM_001287184.2); short protein forms R242L, R245L, R260L, R267L.
Identifiers: ClinVar variation 5019472 (VCV005019472.2).